The following is an entry in ClinVar:

ClinVar aggregate classification (germline): Pathogenic/Likely pathogenic. Review status: criteria provided, multiple submitters, no conflicts (2 of 4 stars). 10 submissions from 10 submitters: Pathogenic (9); Likely pathogenic (1). Last evaluated 2025-12-02.

Conditions:
CLCN5-related disorder. Also called: CLCN5-related condition.
Hypophosphatemic rickets, X-linked recessive (XLHRR). Identifiers: Orphanet 1652, Orphanet 93622, MedGen C1845168, MONDO:0010358, OMIM 300554.
Proteinuria, low molecular weight, with hypercalciuria and nephrocalcinosis. Identifiers: Orphanet 1652, Orphanet 93622, MedGen C1839874, MONDO:0010644, OMIM 308990.
Dent disease type 1 (DENT1). Also called: NEPHROLITHIASIS 2; NEPHROLITHIASIS, HYPERCALCIURIC, X-LINKED. Identifiers: Orphanet 1652, Orphanet 93622, MedGen C1848336, MONDO:0010225, OMIM 300009.
X-linked recessive nephrolithiasis with renal failure (XRN). Also called: NEPHROLITHIASIS 1; NEPHROLITHIASIS, X-LINKED RECESSIVE, TYPE 1; UROLITHIASIS, X-LINKED RECESSIVE, TYPE 1. Identifiers: Orphanet 1652, Orphanet 93622, MedGen C0403720, MONDO:0010687, OMIM 310468.

Submissions (10):

Labcorp Genetics (formerly Invitae), Labcorp
Classification: Pathogenic. Last evaluated: 2025-12-02. Review status: criteria provided, single submitter. Criteria: Invitae Variant Classification Sherloc (09022015). Collection method: clinical testing. Allele origin: germline.
Comment: This sequence change creates a premature translational stop signal (p.Arg28*) in the CLCN5 gene. It is expected to result in an absent or disrupted protein product. Loss-of-function variants in CLCN5 are known to be pathogenic (PMID: 22876375, 25907713). This variant is not present in population databases (gnomAD no frequency). This premature translational stop signal has been observed in individual(s) with Dent disease (PMID: 9734595, 24081861, 25907713). ClinVar contains an entry for this variant (Variation ID: 488682). For these reasons, this variant has been classified as Pathogenic.

Rare Kidney Stone Consortium and the Mayo Clinic Hyperoxaluria Center, Mayo Clinic
Classification: Pathogenic for Dent disease type 1; Hypophosphatemic rickets, X-linked recessive; X-linked recessive nephrolithiasis with renal failure; Proteinuria, low molecular weight, with hypercalciuria and nephrocalcinosis. Last evaluated: 2025-10-03. Review status: criteria provided, single submitter. Criteria: ACMG Guidelines, 2015. Collection method: research. Allele origin: germline. Affected: yes. Observed: 3 variant alleles.
Comment: ACMG:PVS1, PM2, PP3, PP5

3billion
Classification: Pathogenic for Dent disease type 1. Last evaluated: 2025-03-13. Review status: criteria provided, single submitter. Criteria: ACMG Guidelines, 2015. Collection method: clinical testing. Allele origin: germline. Affected: yes.
Comment: The variant is not observed in the gnomAD v4.1.0 dataset. Predicted Consequence/Location: Stop-gained (nonsense): predicted to result in a loss or disruption of normal protein function through nonsense-mediated decay (NMD) or protein truncation. Multiple pathogenic variants are reported downstream of the variant. The variant has been reported at least twice as pathogenic with clinical assertions and evidence for the classification (ClinVar ID: VCV000488682 / PMID: 9734595). Therefore, this variant is classified as Pathogenic according to the recommendation of ACMG/AMP guideline.

Greenwood Genetic Center Diagnostic Laboratories, Greenwood Genetic Center
Classification: Pathogenic for CLCN5-related disorder. Last evaluated: 2025-02-07. Review status: criteria provided, single submitter. Criteria: ACMG Guidelines, 2015. Collection method: clinical testing. Allele origin: germline. Affected: yes.
Comment: PVS1, PS4_Moderate, PM2

GeneDx
Classification: Pathogenic. Last evaluated: 2024-12-09. Review status: criteria provided, single submitter. Criteria: GeneDx Variant Classification Process June 2021. Collection method: clinical testing. Allele origin: germline. Affected: yes.
Comment: Nonsense variant predicted to result in protein truncation or nonsense mediated decay in a gene for which loss-of-function is a known mechanism of disease; Not observed at significant frequency in large population cohorts (gnomAD); This variant is associated with the following publications: (PMID: 29391272, 25525159, 16807762, 15125028, 26308078, 27174143, 28815356, 31672324, 12631345, 9734595, 22350370, 24810952)

Blueprint Genetics
Classification: Pathogenic for CLCN5-related disorders. Last evaluated: 2024-11-19. Review status: criteria provided, single submitter. Criteria: ACMG Guidelines, 2015. Collection method: clinical testing. Allele origin: germline. Affected: yes. Observed: 4 variant alleles.

MVZ Medizinische Genetik Mainz
Classification: Pathogenic for Dent disease type 1. Last evaluated: 2024-08-30. Review status: criteria provided, single submitter. Criteria: UK Practice Guidelines For Variant Classification V4 01 2020. Collection method: clinical testing. Allele origin: germline. Inheritance: X-linked dominant inheritance. Affected: yes. Observed: 1 variant allele.
Comment: ACMG Criteria: PVS1_STR,PP1_STR,PS4_MOD,PM2_SUP,PP4

Genomic Medicine Center of Excellence, King Faisal Specialist Hospital and Research Centre
Classification: Likely pathogenic for Dent disease type 1. Last evaluated: 2024-03-29. Review status: criteria provided, single submitter. Criteria: ACMG Guidelines, 2015. Collection method: clinical testing. Allele origin: germline.

Fulgent Genetics
Classification: Pathogenic for Dent disease type 1; Hypophosphatemic rickets, X-linked recessive; Proteinuria, low molecular weight, with hypercalciuria and nephrocalcinosis; X-linked recessive nephrolithiasis with renal failure. Last evaluated: 2022-05-05. Review status: criteria provided, single submitter. Criteria: ACMG Guidelines, 2015. Collection method: clinical testing. Allele origin: unknown.

Institute of Human Genetics Munich, TUM University Hospital
Classification: Pathogenic for Dent disease type 1. Last evaluated: 2018-01-25. Review status: criteria provided, single submitter. Criteria: Classification criteria August 2017. Collection method: clinical testing. Allele origin: maternal. Inheritance: X-linked inheritance. Affected: yes. Observed: 1 hemizygote.

Literature cited by the submitters: PubMed 22876375 (cited by Labcorp Genetics (formerly Invitae), Labcorp); PubMed 25907713 (cited by Labcorp Genetics (formerly Invitae), Labcorp); PubMed 9734595 (cited by 3 submitters); PubMed 24081861 (cited by Labcorp Genetics (formerly Invitae), Labcorp); PubMed 25525159 (cited by Rare Kidney Stone Consortium and the Mayo Clinic Hyperoxaluria Center, Mayo Clinic); PubMed 29391272 (cited by Rare Kidney Stone Consortium and the Mayo Clinic Hyperoxaluria Center, Mayo Clinic); PubMed 31672324 (cited by Rare Kidney Stone Consortium and the Mayo Clinic Hyperoxaluria Center, Mayo Clinic); PubMed 40794449 (cited by Rare Kidney Stone Consortium and the Mayo Clinic Hyperoxaluria Center, Mayo Clinic).

NM_001127898.4(CLCN5):c.292C>T (p.Arg98Ter)

Gene: CLCN5 (Cl-/H+ antiporter 5; plus strand). Cytogenetic location: Xp11.23.
Variant type: single nucleotide variant.
Coding change: c.292C>T on transcript NM_001127898.4 (MANE Select); coding-DNA position 292, C replaced by T.
Protein change: p.Arg98Ter; replaces arginine 98 with a stop codon.
Molecular consequence: nonsense.
Genome position (GRCh38, 1-based): chrX:50,070,007, C>T. VCF-style: chrX-50070007-C-T. GRCh37 (hg19) VCF-style: chrX-49834662-C-T.
Other names: c.82C>T, p.Arg28Ter (NM_000084.5); c.292C>T, p.Arg98Ter (NM_001127899.4); c.142C>T, p.Arg48Ter (NM_001282163.2); short protein forms R28*, R98*, R48*.
Identifiers: ClinVar variation 488682 (VCV000488682.21), dbSNP rs1049618423, ClinGen allele CA413181206.